The following is an entry in ClinVar:

NM_003737.4(DCHS1):c.335G>A (p.Arg112Gln)

Gene: DCHS1 (dachsous cadherin-related 1; minus strand). Cytogenetic location: 11p15.4.
Variant type: single nucleotide variant.
Coding change: c.335G>A on transcript NM_003737.4 (MANE Select); coding-DNA position 335, G replaced by A.
Protein change: p.Arg112Gln; replaces arginine 112 with glutamine.
Molecular consequence: missense variant.
Genome position (GRCh38, 1-based): chr11:6,641,279, C>T on the plus strand (G>A on the coding strand, the complement: DCHS1 is on the minus strand). VCF-style: chr11-6641279-C-T. GRCh37 (hg19) VCF-style: chr11-6662510-C-T.
Other names: short protein forms R112Q.
Identifiers: ClinVar variation 1463039 (VCV001463039.8), dbSNP rs762047221, ClinGen allele CA5861168.

ClinVar aggregate classification (germline): Uncertain significance. Review status: criteria provided, multiple submitters, no conflicts (2 of 4 stars). 2 submissions from 2 submitters: Uncertain significance (2). Last evaluated 2025-12-30.

Allele frequency attached by ClinVar (database versions not stated): ExAC 0.00003; TOPMed 0.00003; gnomAD exomes 0.00005 and 0.00006; gnomAD 0.00006.

Submissions (2):

Labcorp Genetics (formerly Invitae), Labcorp
Classification: Uncertain significance. Last evaluated: 2025-12-30. Review status: criteria provided, single submitter. Criteria: Invitae Variant Classification Sherloc (09022015). Collection method: clinical testing. Allele origin: germline.
Comment: This sequence change replaces arginine, which is basic and polar, with glutamine, which is neutral and polar, at codon 112 of the DCHS1 protein (p.Arg112Gln). This variant is present in population databases (rs762047221, gnomAD 0.05%). This variant has not been reported in the literature in individuals affected with DCHS1-related conditions. ClinVar contains an entry for this variant (Variation ID: 1463039). Invitae Evidence Modeling of protein sequence and biophysical properties (such as structural, functional, and spatial information, amino acid conservation, physicochemical variation, residue mobility, and thermodynamic stability) indicates that this missense variant is not expected to disrupt DCHS1 protein function with a negative predictive value of 80%. In summary, the available evidence is currently insufficient to determine the role of this variant in disease. Therefore, it has been classified as a Variant of Uncertain Significance.

Women's Health and Genetics/Laboratory Corporation of America, LabCorp
Classification: Uncertain significance. Last evaluated: 2025-07-02. Review status: criteria provided, single submitter. Criteria: LabCorp Variant Classification Summary - May 2015. Collection method: clinical testing. Allele origin: germline.
Comment: Variant summary: DCHS1 c.335G>A (p.Arg112Gln) results in a conservative amino acid change in the encoded protein sequence. Algorithms developed to predict the effect of missense changes on protein structure and function are either unavailable or do not agree on the potential impact of this missense change. The variant allele was found at a frequency of 6.4e-05 in 250574 control chromosomes. This frequency is not significantly higher than estimated for a pathogenic variant in DCHS1 causing DCHS1-Related Disorders, allowing no conclusion about variant significance. To our knowledge, no occurrence of c.335G>A in individuals affected with DCHS1-Related Disorders and no experimental evidence demonstrating its impact on protein function have been reported. ClinVar contains an entry for this variant (Variation ID: 1463039). Based on the evidence outlined above, the variant was classified as uncertain significance.